The following is an entry in ClinVar:

NM_153026.3(PRICKLE1):c.1639+462C>G

Gene: PRICKLE1 (prickle planar cell polarity protein 1; minus strand). Cytogenetic location: 12q12.
Variant type: single nucleotide variant.
Coding change: c.1639+462C>G on transcript NM_153026.3 (MANE Select); 462 bases into the intron after coding-DNA position 1639, C replaced by G.
Molecular consequence: intron variant.
Genome position (GRCh38, 1-based): chr12:42,463,933, G>C on the plus strand (C>G on the coding strand, the complement: PRICKLE1 is on the minus strand). VCF-style: chr12-42463933-G-C. GRCh37 (hg19) VCF-style: chr12-42857735-G-C.
Other names: c.1639+462C>G (NM_001144883.2, NM_001144882.2, NM_001144881.2).
Identifiers: ClinVar variation 3338529 (VCV003338529.1).

ClinVar aggregate classification (germline): Uncertain significance (1 of 4 stars; one submission).

gnomAD v4.1: 552 of 152,246 alleles (0.36%); highest among the groups gnomAD compares: African/African-American, 1.3%; 3 homozygotes.

Submission:

Greenwood Genetic Center Diagnostic Laboratories, Greenwood Genetic Center
Classification: Uncertain significance. Last evaluated: 2024-04-05. Review status: criteria provided, single submitter. Criteria: ACMG Guidelines, 2015. Collection method: clinical testing. Allele origin: germline. Affected: yes.
Comment: BP4